The following is an entry in ClinVar:

ClinVar aggregate classification (germline): Benign (1 of 4 stars; one submission).

Conditions:
Hereditary diffuse leukoencephalopathy with spheroids. Also called: LEUKOENCEPHALOPATHY, ADULT-ONSET, WITH AXONAL SPHEROIDS AND PIGMENTED GLIA. Identifiers: Orphanet 313808, MedGen C3711381, MONDO:0030796.

Allele frequency attached by ClinVar (database versions not stated): 1000 Genomes Project 0.16414; gnomAD 0.15956 and 0.16291; TOPMed 0.18308; gnomAD exomes 0.14677; 1000 Genomes Project 30x 0.17083.

Submission:

Illumina Laboratory Services, Illumina
Classification: Benign for Leukoencephalopathy, diffuse hereditary, with spheroids 1. Last evaluated: 2018-01-13. Review status: criteria provided, single submitter. Criteria: ICSL Variant Classification Criteria 13 December 2019. Collection method: clinical testing. Allele origin: germline.
Comment: This variant was observed in the ICSL laboratory as part of a predisposition screen in an ostensibly healthy population. It had not been previously curated by ICSL or reported in the Human Gene Mutation Database (HGMD: prior to June 1st, 2018), and was therefore a candidate for classification through an automated scoring system. Utilizing variant allele frequency, disease prevalence and penetrance estimates, and inheritance mode, an automated score was calculated to assess if this variant is too frequent to cause the disease. Based on the score and internal cut-off values, a variant classified as benign is not then subjected to further curation. The score for this variant resulted in a classification of benign for this disease.

NM_001288705.3(CSF1R):c.*769A>G

Gene: CSF1R (colony stimulating factor 1 receptor; minus strand). Cytogenetic location: 5q32.
Variant type: single nucleotide variant.
Coding change: c.*769A>G on transcript NM_001288705.3 (MANE Select); 769 bases downstream of the stop codon, A replaced by G.
Molecular consequence: 3 prime UTR variant. On other transcripts: non-coding transcript variant (2).
Genome position (GRCh38, 1-based): chr5:150,053,300, T>C on the plus strand (A>G on the coding strand, the complement: CSF1R is on the minus strand). VCF-style: chr5-150053300-T-C. GRCh37 (hg19) VCF-style: chr5-149432863-T-C.
Other names: c.*769A>G (NM_001349736.2, NM_001375320.1, NM_001375321.1 and 1 more transcripts).
Identifiers: ClinVar variation 352100 (VCV000352100.5), dbSNP rs3828609, ClinGen allele CA10623541.
Genomic context (GRCh38, chr5:150,053,300, plus strand): 5'-AGACGTTCCAGGGAATTTGCAGGTACTCATGTGGCACAAAGAACCAGAGGCTGACTGCAT[T>C]AATGCTGTTAGTTTAATGTGGACAGAGACATCCCACGGCGTGACTGTTAGTTAGGATGAG-3'